The following is an entry in ClinVar:

ClinVar aggregate classification (germline): Benign/Likely benign. Review status: criteria provided, multiple submitters, no conflicts (2 of 4 stars). 3 submissions from 3 submitters: Benign (1); Likely benign (2). Last evaluated 2024-10-23.

Conditions:
Birt-Hogg-Dube syndrome 1 (BHD1). Also called: FIBROFOLLICULOMAS WITH TRICHODISCOMAS AND ACROCHORDONS. Identifiers: Orphanet 122, MedGen CN375946, MONDO:0800445, OMIM 135150.
Hereditary cancer-predisposing syndrome. Also called: Neoplastic Syndromes, Hereditary; Hereditary neoplastic syndrome; Tumor predisposition; Hereditary Cancer Syndrome. Identifiers: Orphanet 140162, MedGen C0027672, MeSH D009386, MONDO:0015356.
Birt-Hogg-Dube syndrome. Also called: Birt Hogg Dubé syndrome. Identifiers: Orphanet 122, MedGen C0346010, MONDO:0800444.

Allele frequency attached by ClinVar (database versions not stated): gnomAD 0.00001.
gnomAD v4.1: 2 of 1,614,102 alleles (0.00012%); highest among the groups gnomAD compares: Admixed American, 0.0017%; no homozygotes.

Submissions (3):

Myriad Genetics, Inc.
Classification: Benign for Birt-Hogg-Dube syndrome 1. Last evaluated: 2024-10-23. Review status: criteria provided, single submitter. Criteria: Myriad Autosomal Dominant, Autosomal Recessive and X-Linked Classification Criteria (2023). Collection method: clinical testing. Allele origin: unknown.
Comment: This variant is considered benign. This variant is a silent/synonymous amino acid change and it is not expected to impact splicing.

Labcorp Genetics (formerly Invitae), Labcorp
Classification: Likely benign for Birt-Hogg-Dube syndrome. Last evaluated: 2023-06-16. Review status: criteria provided, single submitter. Criteria: Invitae Variant Classification Sherloc (09022015). Collection method: clinical testing. Allele origin: germline.

Ambry Genetics
Classification: Likely benign for Hereditary cancer-predisposing syndrome. Last evaluated: 2023-02-23. Review status: criteria provided, single submitter. Criteria: Ambry Variant Classification Scheme 2023. Collection method: clinical testing. Allele origin: germline.

NM_144997.7(FLCN):c.672A>G (p.Thr224=)

Gene: FLCN (folliculin; minus strand). Cytogenetic location: 17p11.2.
Variant type: single nucleotide variant.
Coding change: c.672A>G on transcript NM_144997.7 (MANE Select); coding-DNA position 672, A replaced by G.
Protein change: p.Thr224=; no amino-acid change (threonine 224 retained).
Molecular consequence: synonymous variant.
Genome position (GRCh38, 1-based): chr17:17,222,608, T>C on the plus strand (A>G on the coding strand, the complement: FLCN is on the minus strand). VCF-style: chr17-17222608-T-C. GRCh37 (hg19) VCF-style: chr17-17125922-T-C.
Other names: c.672A>G (LRG_325t1); c.726A>G, p.Thr242= (NM_001353229.2); c.672A>G, p.Thr224= (NM_001353230.2, NM_001353231.2, NM_144606.7).
Identifiers: ClinVar variation 530007 (VCV000530007.13), dbSNP rs1555609880, ClinGen allele CA498164695.